The following is an entry in ClinVar:

NM_004329.3(BMPR1A):c.210T>G (p.Asp70Glu)

Gene: BMPR1A (bone morphogenetic protein receptor type 1A; plus strand). Cytogenetic location: 10q23.2.
Variant type: single nucleotide variant.
Coding change: c.210T>G on transcript NM_004329.3 (MANE Select); coding-DNA position 210, T replaced by G.
Protein change: p.Asp70Glu; replaces aspartic acid 70 with glutamic acid.
Molecular consequence: missense variant.
Genome position (GRCh38, 1-based): chr10:86,890,204, T>G. VCF-style: chr10-86890204-T-G. GRCh37 (hg19) VCF-style: chr10-88649961-T-G.
Other names: c.210T>G, p.Asp70Glu (NM_001406559.1, NM_001406560.1, NM_001406561.1 and 23 more transcripts); c.126T>G, p.Asp42Glu (NM_001406584.1, NM_001406585.1, NM_001406586.1 and 2 more transcripts); short protein forms D70E, D42E.
Identifiers: ClinVar variation 1786089 (VCV001786089.3), dbSNP rs1589763468, ClinGen allele CA377447169.
Genomic context (GRCh38, chr10:86,890,204, plus strand): 5'-AGCACCAGAGGATACCTTGCCTTTTTTAAAGTGCTATTGCTCAGGGCACTGTCCAGATGA[T>G]GCTATTAATAACACATGCATGTAAGTATTTTATGCAGCCCTTCTTAAGAGTTAGGAGAAT-3'
Protein context (NP_004320.2, residues 60-80): KCYCSGHCPD[Asp70Glu]AINNTCITNG

ClinVar aggregate classification (germline): Uncertain significance. Review status: criteria provided, multiple submitters, no conflicts (2 of 4 stars). 2 submissions from 2 submitters: Uncertain significance (2). Last evaluated 2026-02-11.

Conditions:
Hereditary cancer-predisposing syndrome. Also called: Tumor predisposition; Neoplastic Syndromes, Hereditary; Hereditary Cancer Syndrome; Hereditary neoplastic syndrome. Identifiers: Orphanet 140162, MedGen C0027672, MeSH D009386, MONDO:0015356.
Juvenile polyposis syndrome (JPS). Identifiers: Orphanet 2929, MedGen C0345893, MONDO:0017380, OMIM 174900.

Allele frequency attached by ClinVar (database versions not stated): gnomAD exomes below 0.00001.

Submissions (2):

St. Jude Molecular Pathology, St. Jude Children's Research Hospital
Classification: Uncertain significance for Juvenile polyposis syndrome. Last evaluated: 2026-02-11. Review status: criteria provided, single submitter. Criteria: St. Jude Assertion Criteria 2020. Collection method: clinical testing. Allele origin: germline.
Comment: The BMPR1A c.210T>G p.(Asp70Glu) missense change is absent in gnomAD v2.1.1. The in silico tool REVEL is inconclusive about a pathogenic or benign effect of this variant on protein function, and to our knowledge functional studies have not been performed. To our knowledge, this variant has not been reported in individuals with juvenile polyposis syndrome. In summary, the evidence currently available is insufficient to determine the clinical significance of this variant. It has therefore been classified as of uncertain significance.

Ambry Genetics
Classification: Uncertain significance for Hereditary cancer-predisposing syndrome. Last evaluated: 2022-07-06. Review status: criteria provided, single submitter. Criteria: Ambry Variant Classification Scheme 2023. Collection method: clinical testing. Allele origin: germline.
Comment: The p.D70E variant (also known as c.210T>G), located in coding exon 2 of the BMPR1A gene, results from a T to G substitution at nucleotide position 210. The aspartic acid at codon 70 is replaced by glutamic acid, an amino acid with highly similar properties. This amino acid position is conserved. In addition, the in silico prediction for this alteration is inconclusive. Since supporting evidence is limited at this time, the clinical significance of this alteration remains unclear.